The following is an entry in ClinVar:

ClinVar aggregate classification (germline): Uncertain significance (1 of 4 stars; one submission).

Allele frequency attached by ClinVar (database versions not stated): TOPMed below 0.00001.

Submission:

GeneDx
Classification: Uncertain significance. Last evaluated: 2023-01-31. Review status: criteria provided, single submitter. Criteria: GeneDx Variant Classification Process June 2021. Collection method: clinical testing. Allele origin: germline. Affected: yes.
Comment: Not observed at significant frequency in large population cohorts (gnomAD); In silico analysis supports that this missense variant has a deleterious effect on protein structure/function; Has not been previously published as pathogenic or benign to our knowledge

NM_001330311.2(DVL1):c.764A>T (p.Asn255Ile)

Gene: DVL1 (dishevelled segment polarity protein 1; minus strand). Cytogenetic location: 1p36.33.
Variant type: single nucleotide variant.
Coding change: c.764A>T on transcript NM_001330311.2 (MANE Select); coding-DNA position 764, A replaced by T.
Protein change: p.Asn255Ile; replaces asparagine 255 with isoleucine.
Molecular consequence: missense variant.
Genome position (GRCh38, 1-based): chr1:1,340,252, T>A on the plus strand (A>T on the coding strand, the complement: DVL1 is on the minus strand). VCF-style: chr1-1340252-T-A. GRCh37 (hg19) VCF-style: chr1-1275632-T-A.
Other names: c.764A>T, p.Asn255Ile (NM_004421.3); short protein forms N255I.
Identifiers: ClinVar variation 2574782 (VCV002574782.1), dbSNP rs1643746202, ClinGen allele CA337870331.
Genomic context (GRCh38, chr1:1,340,252, plus strand): 5'-ATGAGCCGCGGCCAAGCCCCTGCCCCTGCCCCCAACCCTCGCCCCGAGGCCTCACCCATG[T>A]TGAGCGTGACAGTGACGATGTTGAGGGACATGGTGGAGTCGGTTATGCTGCTGAAGGAGG-3'
Protein context (NP_001317240.1, residues 245-265): MSLNIVTVTL[Asn255Ile]MERHHFLGIS